The following is an entry in ClinVar:

NM_007294.4(BRCA1):c.3917dup (p.Leu1306fs)

Genes: BRCA1 (BRCA1 DNA repair associated; minus strand), LOC126862571 (BRD4-independent group 4 enhancer GRCh37_chr17:41243136-41244335; plus strand). Cytogenetic location: 17q21.31.
Variant type: Duplication.
Coding change: c.3917dup on transcript NM_007294.4 (MANE Select); coding-DNA position 3917, one base duplicated (T; older notation c.3917dupT).
Protein change: p.Leu1306fs; shifts the reading frame from leucine 1306.
Molecular consequence: frameshift variant. On other transcripts: intron variant (135).
Genome position (GRCh38, 1-based): chr17:43,091,614, A duplicated on the plus strand (T on the coding strand, the reverse complement: BRCA1 is on the minus strand); the first of 2 consecutive A bases (chr17:43,091,614-43,091,615); duplicating either gives the same sequence. VCF-style (leftmost placement, unchanged base first): chr17-43091613-C-CA. GRCh37 (hg19) VCF-style: chr17-41243630-C-CA.
Other names: c.644-582dup (NM_001408465.1, NM_001408463.1, NM_001408468.1 and 3 more transcripts); c.707-582dup (NM_001408416.1, NM_001408413.1); c.3704dup, p.Leu1235fs (NM_001407571.1, NM_001407853.1, NM_001407894.1 and 9 more transcripts); c.524-582dup (NM_001408499.1, NM_001408501.1, NM_001408500.1 and 3 more transcripts); c.3917dup, p.Leu1306fs (NM_001407581.1, NM_001407582.1, NM_001407583.1 and 30 more transcripts); c.578-582dup (NM_001408478.1, NM_001408482.1, NM_001408484.1 and 9 more transcripts); c.521-582dup (NM_001408504.1, NM_001408503.1, NM_001408505.1); c.671-582dup (NM_001408422.1, NM_001408423.1, NM_001408420.1 and 2 more transcripts); and 41 more; short protein forms L1259fs, L1306fs, L1179fs, L1195fs, L1178fs, L1194fs, L1217fs, L1258fs.
Identifiers: ClinVar variation 3722783 (VCV003722783.2).

ClinVar aggregate classification (germline): Pathogenic (1 of 4 stars; one submission).

Conditions:
Hereditary breast ovarian cancer syndrome. Also called: Hereditary breast and ovarian cancer syndrome; Hereditary breast and/or ovarian cancer syndrome; Hereditary breast and ovarian cancer; Hereditary breast and ovarian cancer syndrome (HBOC); Breast and ovarian cancer; BRCA1- and BRCA2-Associated Hereditary Breast and Ovarian Cancer. Identifiers: Orphanet 145, MedGen C0677776, MeSH D061325, MONDO:0003582. Disease mechanism: loss of function.

Submission:

Labcorp Genetics (formerly Invitae), Labcorp
Classification: Pathogenic for Hereditary breast ovarian cancer syndrome. Last evaluated: 2024-10-09. Review status: criteria provided, single submitter. Criteria: Invitae Variant Classification Sherloc (09022015). Collection method: clinical testing. Allele origin: germline.
Comment: This sequence change creates a premature translational stop signal (p.Leu1306Phefs*24) in the BRCA1 gene. It is expected to result in an absent or disrupted protein product. Loss-of-function variants in BRCA1 are known to be pathogenic (PMID: 20104584). This variant is not present in population databases (gnomAD no frequency). This premature translational stop signal has been observed in individual(s) with breast cancer and/or ovarian cancer (PMID: 31742824, 35864222). For these reasons, this variant has been classified as Pathogenic.

Literature cited by the submitters: PubMed 20104584; PubMed 31742824; PubMed 35864222.